The following is an entry in ClinVar:

ClinVar aggregate classification (germline): Pathogenic. Review status: criteria provided, multiple submitters, no conflicts (2 of 4 stars). 3 submissions from 3 submitters: Pathogenic (2). 1 of the submissions does not count toward it. Last evaluated 2024-06-18.

Conditions:
SLC26A3-related disorder. Also called: SLC26A3-related condition.
Congenital secretory diarrhea, chloride type (DIAR1). Also called: DIARRHEA 1, SECRETORY CHLORIDE, CONGENITAL; CHLORIDE DIARRHEA, CONGENITAL, FINNISH TYPE; CHLORIDORRHEA, CONGENITAL. Identifiers: Orphanet 53689, MedGen C0267662, MONDO:0008964, OMIM 214700.

Submissions (3):

Labcorp Genetics (formerly Invitae), Labcorp
Classification: Pathogenic. Last evaluated: 2024-06-18. Review status: criteria provided, single submitter. Criteria: Invitae Variant Classification Sherloc (09022015). Collection method: clinical testing. Allele origin: germline.
Comment: This sequence change creates a premature translational stop signal (p.Ile383Serfs*74) in the SLC26A3 gene. It is expected to result in an absent or disrupted protein product. Loss-of-function variants in SLC26A3 are known to be pathogenic (PMID: 9718329, 21394828). This variant is not present in population databases (gnomAD no frequency). This premature translational stop signal has been observed in individual(s) with congenital chloride diarrhea (PMID: 21150650). ClinVar contains an entry for this variant (Variation ID: 55965). For these reasons, this variant has been classified as Pathogenic.

Blueprint Genetics
Classification: Pathogenic for SLC26A3-related disorders. Last evaluated: 2018-04-24. Review status: criteria provided, single submitter. Criteria: ACMG Guidelines, 2015. Collection method: clinical testing. Allele origin: germline. Affected: yes. Observed: 1 variant allele.

Juha Muilu Group; Institute for Molecular Medicine Finland (FIMM)
Classification: Likely pathogenic for Congenital secretory diarrhea, chloride type. Review status: no assertion criteria provided. Collection method: not provided. Allele origin: unknown. Not counted in ClinVar's aggregate classification.
Comment: FinDis database variant: This variant was not found or characterized by our laboratory, data were collected from public sources: see reference
ClinVar note: Converted during submission from probable-pathogenic to Likely pathogenic.

Literature cited by the submitters: PubMed 9718329 (cited by Labcorp Genetics (formerly Invitae), Labcorp); PubMed 21394828 (cited by Labcorp Genetics (formerly Invitae), Labcorp); PubMed 21150650 (cited by Labcorp Genetics (formerly Invitae), Labcorp).

NM_000111.3(SLC26A3):c.1148_1149del (p.Ile383fs)

Gene: SLC26A3 (solute carrier family 26 member 3; minus strand). Cytogenetic location: 7q22.3.
Variant type: Deletion.
Coding change: c.1148_1149del on transcript NM_000111.3 (MANE Select); coding-DNA positions 1148 to 1149, 2 bases deleted (TA; older notation c.1148_1149delTA).
Protein change: p.Ile383fs; shifts the reading frame from isoleucine 383.
Molecular consequence: frameshift variant.
Genome position (GRCh38, 1-based): chr7:107,783,064-107,783,065, TA deleted on the plus strand (TA on the coding strand, the reverse complement: SLC26A3 is on the minus strand); deleting any 2 consecutive bases within chr7:107,783,064-107,783,066 gives the same sequence; the c. name uses the placement nearest the transcript's 3' end. VCF-style (leftmost placement, unchanged base first): chr7-107783063-CTA-C. GRCh37 (hg19) VCF-style: chr7-107423508-CTA-C.
Other names: c.1148_1149delTA (NM_000111.2); short protein forms I383fs.
Identifiers: ClinVar variation 55965 (VCV000055965.6), dbSNP rs386833447, ClinGen allele CA144042.